The following is an entry in ClinVar:

NM_024301.5(FKRP):c.1433T>C (p.Ile478Thr)

Gene: FKRP (fukutin related protein; plus strand). Cytogenetic location: 19q13.32.
Variant type: single nucleotide variant.
Coding change: c.1433T>C on transcript NM_024301.5 (MANE Select); coding-DNA position 1433, T replaced by C.
Protein change: p.Ile478Thr; replaces isoleucine 478 with threonine.
Molecular consequence: missense variant.
Genome position (GRCh38, 1-based): chr19:46,756,883, T>C. VCF-style: chr19-46756883-T-C. GRCh37 (hg19) VCF-style: chr19-47260140-T-C.
Other names: c.1433T>C, p.Ile478Thr (NM_001039885.3); short protein forms I478T.
Identifiers: ClinVar variation 528825 (VCV000528825.24), dbSNP rs1301397800, ClinGen allele CA406497356.

ClinVar aggregate classification (germline): Pathogenic/Likely pathogenic. Review status: criteria provided, multiple submitters, no conflicts (2 of 4 stars). 9 submissions from 9 submitters: Pathogenic (3); Likely pathogenic (5). 1 of the submissions does not count toward it. Last evaluated 2026-10-05.

Conditions:
Cardiovascular phenotype. Identifiers: MedGen CN230736.
Walker-Warburg congenital muscular dystrophy. Also called: Muscular dystrophy-dystroglycanopathy, type A; Walker-Warburg syndrome. Identifiers: Orphanet 899, MedGen C0265221, MONDO:0000171.
Autosomal recessive limb-girdle muscular dystrophy. Identifiers: Orphanet 102015, MedGen C2931907, MONDO:0015152.
Autosomal recessive limb-girdle muscular dystrophy type 2I. Also called: MUSCULAR DYSTROPHY-DYSTROGLYCANOPATHY (LIMB-GIRDLE), TYPE C, 5; MUSCULAR DYSTROPHY-DYSTROGLYCANOPATHY, LIMB-GIRDLE, FRKP-RELATED; MUSCULAR DYSTROPHY, LIMB-GIRDLE, TYPE 2I. Identifiers: Orphanet 34515, MedGen C1846672, MONDO:0011787, OMIM 607155.
Muscular dystrophy-dystroglycanopathy (congenital with brain and eye anomalies), type A5. Also called: MUSCULAR DYSTROPHY-DYSTROGLYCANOPATHY (CONGENITAL WITH BRAIN AND EYE ANOMALIES), TYPE A, 5; WALKER-WARBURG SYNDROME OR MUSCLE-EYE-BRAIN DISEASE, FKRP-RELATED. Identifiers: Orphanet 588, Orphanet 899, MedGen C3150413, MONDO:0013157, OMIM 613153.

Allele frequency attached by ClinVar (database versions not stated): gnomAD exomes 0.00001 and below 0.00001; TOPMed 0.00001; gnomAD 0.00001.

Submissions (9):

GeneDx
Classification: Likely pathogenic. Last evaluated: 2026-10-05. Review status: criteria provided, single submitter. Criteria: GeneDx Variant Classification Process June 2021. Collection method: clinical testing. Allele origin: germline.
Comment: Published functional studies demonstrate a damaging effect (PMID: 39326416); Not observed at significant frequency in large population cohorts (gnomAD); Missense variants in this gene are a common cause of disease and they are underrepresented in the general population; In silico analysis supports that this missense variant has a deleterious effect on protein structure/function; This variant is associated with the following publications: (PMID: 34012031, 18639457, 32429923, 19299310, 16288869, 27439679, 39326416, 16476814)

Labcorp Genetics (formerly Invitae), Labcorp
Classification: Pathogenic for Walker-Warburg congenital muscular dystrophy. Last evaluated: 2025-08-09. Review status: criteria provided, single submitter. Criteria: Invitae Variant Classification Sherloc (09022015). Collection method: clinical testing. Allele origin: germline.
Comment: This sequence change replaces isoleucine, which is neutral and non-polar, with threonine, which is neutral and polar, at codon 478 of the FKRP protein (p.Ile478Thr). This variant is present in population databases (no rsID available, gnomAD 0.0009%). This missense change has been observed in individuals with congenital muscular dystrophy (PMID: 16476814, 18639457, 19299310). ClinVar contains an entry for this variant (Variation ID: 528825). Invitae Evidence Modeling of protein sequence and biophysical properties (such as structural, functional, and spatial information, amino acid conservation, physicochemical variation, residue mobility, and thermodynamic stability) indicates that this missense variant is expected to disrupt FKRP protein function with a positive predictive value of 95%. For these reasons, this variant has been classified as Pathogenic.

Natera, Inc.
Classification: Likely pathogenic for Limb-girdle muscular dystrophy type 2I. Last evaluated: 2024-11-21. Review status: criteria provided, single submitter. Criteria: Natera Variant Classification Schema (03/2026). Collection method: clinical testing. Allele origin: germline.
Comment: The c.1433T>C variant in FKRP is a missense variant predicted to cause substitution of isoleucine to threonine at amino acid 478. This variant is rare in the general population with a frequency below the threshold expected for the associated phenotype(s). This variant has been observed in one or more individuals affected with the associated recessive disease, as either homozygous or compound heterozygous with a second variant (PMID: 16476814, 19299310, 32429923). Computational prediction algorithms indicate this variant is likely to affect gene or protein function. Given the available evidence, this variant is classified as Likely Pathogenic.

Women's Health and Genetics/Laboratory Corporation of America, LabCorp
Classification: Pathogenic for Autosomal recessive limb-girdle muscular dystrophy. Last evaluated: 2023-12-07. Review status: criteria provided, single submitter. Criteria: LabCorp Variant Classification Summary - May 2015. Collection method: clinical testing. Allele origin: germline.
Comment: Variant summary: FKRP c.1433T>C (p.Ile478Thr) results in a non-conservative amino acid change in the encoded protein sequence. Five of five in-silico tools predict a damaging effect of the variant on protein function. The variant allele was found at a frequency of 4.1e-06 in 245556 control chromosomes (gnomAD). c.1433T>C has been reported in the literature in multiple individuals affected with Muscular Dystrophy, Autosomal Recessive (examples: Mercuri_2006, Wahbi_2008, Leung_2020). These data indicate that the variant is very likely to be associated with disease. The following publications have been ascertained in the context of this evaluation (PMID: 16476814, 18639457, 32429923). Four submitters have cited clinical-significance assessments for this variant to ClinVar after 2014. All submitters classified the variant as pathogenic/likely pathogenic. Based on the evidence outlined above, the variant was classified as pathogenic.

Baylor Genetics
Classification: Likely pathogenic for Muscular dystrophy-dystroglycanopathy (congenital with brain and eye anomalies), type A5. Last evaluated: 2023-11-23. Review status: criteria provided, single submitter. Criteria: ACMG Guidelines, 2015. Collection method: clinical testing. Allele origin: unknown.

Molecular Diagnostic Laboratory for Inherited Cardiovascular Disease, Montreal Heart Institute
Classification: Likely pathogenic for Cardiovascular phenotype. Last evaluated: 2022-08-12. Review status: criteria provided, single submitter. Criteria: ACMG Guidelines, 2015. Collection method: clinical testing. Allele origin: germline. Affected: yes.

Revvity Omics, Revvity
Classification: Likely pathogenic. Last evaluated: 2022-01-07. Review status: criteria provided, single submitter. Criteria: ACMG Guidelines, 2015. Collection method: clinical testing. Allele origin: germline.

Eurofins Ntd Llc (ga)
Classification: Pathogenic. Last evaluated: 2018-01-16. Review status: criteria provided, single submitter. Criteria: EGL Classification Definitions 2015. Collection method: clinical testing. Allele origin: germline. Observed: 1 variant allele, 1 heterozygote.

Counsyl
Classification: Likely pathogenic for Autosomal recessive limb-girdle muscular dystrophy type 2I. Last evaluated: 2017-12-01. Review status: no assertion criteria provided. Collection method: clinical testing. Allele origin: unknown. Not counted in ClinVar's aggregate classification.

Literature cited by the submitters: PubMed 16476814 (cited by 3 submitters); PubMed 18639457 (cited by 3 submitters); PubMed 19299310 (cited by 3 submitters); PubMed 32429923 (cited by Natera, Inc. and Women's Health and Genetics/Laboratory Corporation of America, LabCorp).